The following is an entry in ClinVar:

NM_203447.4(DOCK8):c.3234+8T>C

Gene: DOCK8 (dedicator of cytokinesis 8; plus strand). Cytogenetic location: 9p24.3.
Variant type: single nucleotide variant.
Coding change: c.3234+8T>C on transcript NM_203447.4 (MANE Select); 8 bases into the intron after coding-DNA position 3234, T replaced by C.
Molecular consequence: intron variant.
Genome position (GRCh38, 1-based): chr9:399,267, T>C. VCF-style: chr9-399267-T-C. GRCh37 (hg19) VCF-style: chr9-399267-T-C.
Other names: c.3030+8T>C (NM_001193536.2); c.2934+8T>C (NM_001190458.2).
Identifiers: ClinVar variation 137145 (VCV000137145.21), dbSNP rs112290938, ClinGen allele CA290669.

ClinVar aggregate classification (germline): Benign/Likely benign. Review status: criteria provided, multiple submitters, no conflicts (2 of 4 stars). 6 submissions from 6 submitters: Benign (3); Likely benign (3). Last evaluated 2026-06-01.

Conditions:
Combined immunodeficiency due to DOCK8 deficiency (HIES2). Also called: HIES autosomal recessive; DOCK8 Deficiency; HYPER-IgE RECURRENT INFECTION SYNDROME 2, AUTOSOMAL RECESSIVE; HYPER-IgE SYNDROME 2, AUTOSOMAL RECESSIVE, WITH RECURRENT INFECTIONS; Hyper-IgE recurrent infection syndrome, autosomal recessive. Identifiers: Orphanet 217390, MedGen C4722305, MONDO:0009478, OMIM 243700.

Allele frequency attached by ClinVar (database versions not stated): gnomAD exomes 0.00012 and 0.00097; gnomAD 0.00132; ESP Exome Variant Server 0.00146; ExAC 0.00423.

Submissions (6):

CeGaT Center for Human Genetics Tuebingen
Classification: Likely benign. Last evaluated: 2026-06-01. Review status: criteria provided, single submitter. Criteria: CeGaT Center For Human Genetics Tuebingen Variant Classification Criteria Version 2. Collection method: clinical testing. Allele origin: germline. Affected: yes. Observed: 3 variant alleles.
Comment: DOCK8: BP4

Labcorp Genetics (formerly Invitae), Labcorp
Classification: Benign for Combined immunodeficiency due to DOCK8 deficiency. Last evaluated: 2026-01-23. Review status: criteria provided, single submitter. Criteria: Invitae Variant Classification Sherloc (09022015). Collection method: clinical testing. Allele origin: germline.

Women's Health and Genetics/Laboratory Corporation of America, LabCorp
Classification: Likely benign. Last evaluated: 2026-01-21. Review status: criteria provided, single submitter. Criteria: LabCorp Variant Classification Summary - May 2015. Collection method: clinical testing. Allele origin: germline.

Blueprint Genetics
Classification: Likely benign. Last evaluated: 2020-12-21. Review status: criteria provided, single submitter. Criteria: ACMG Guidelines, 2015. Collection method: clinical testing. Allele origin: germline.

GeneDx
Classification: Benign. Last evaluated: 2014-05-20. Review status: criteria provided, single submitter. Criteria: GeneDx Variant Classification (06012015). Collection method: clinical testing. Allele origin: germline. Affected: yes.
Comment: This variant is considered likely benign or benign based on one or more of the following criteria: it is a conservative change, it occurs at a poorly conserved position in the protein, it is predicted to be benign by multiple in silico algorithms, and/or has population frequency not consistent with disease.

Breakthrough Genomics
Classification: Benign. Review status: criteria provided, single submitter. Criteria: ACMG Guidelines, 2015. Collection method: not provided. Allele origin: germline. Inheritance: Autosomal recessive inheritance. Affected: yes.